The following is an entry in ClinVar:

ClinVar aggregate classification (germline): Uncertain significance. Review status: criteria provided, multiple submitters, no conflicts (2 of 4 stars). 2 submissions from 2 submitters: Uncertain significance (2). Last evaluated 2023-01-24.

Conditions:
Epidermolysis bullosa simplex 5B, with muscular dystrophy (EBS5B). Also called: Epidermolysis bullosa simplex with muscular dystrophy; EPIDERMOLYSIS BULLOSA SIMPLEX AND LIMB-GIRDLE MUSCULAR DYSTROPHY. Identifiers: Orphanet 257, MedGen C2931072, MONDO:0009181, OMIM 226670.
Epidermolysis bullosa simplex 5C, with pyloric atresia (EBS5C). Also called: PLEC1-Related Epidermolysis Bullosa with Pyloric Atresia; PLEC-Related Epidermolysis Bullosa with Pyloric Atresia; Epidermolysis bullosa simplex with pyloric atresia. Identifiers: Orphanet 158684, MedGen C2677349, MONDO:0012807, OMIM 612138.
Autosomal recessive limb-girdle muscular dystrophy type 2Q (LGMDR17). Also called: MUSCULAR DYSTROPHY, LIMB-GIRDLE, AUTOSOMAL RECESSIVE 17. Identifiers: Orphanet 254361, MedGen C3150989, MONDO:0013390, OMIM 613723.
Epidermolysis bullosa simplex, Ogna type (EBS5A). Also called: Pidermolysis bullosa simplex 5A, Ogna type; EPIDERMOLYSIS BULLOSA SIMPLEX 5A, OGNA TYPE. Identifiers: Orphanet 79401, MedGen C0432317, MONDO:0007555, OMIM 131950.
Epidermolysis bullosa simplex with nail dystrophy (EBS5D). Identifiers: MedGen C4225309, MONDO:0014661, OMIM 616487.

gnomAD v4.1: 1 of 1,603,418 alleles (0.000062%); highest among the groups gnomAD compares: South Asian, 0.0011%; no homozygotes.

Submissions (2):

Revvity Omics, Revvity
Classification: Uncertain significance. Last evaluated: 2023-01-24. Review status: criteria provided, single submitter. Criteria: ACMG Guidelines, 2015. Collection method: clinical testing. Allele origin: germline.

Labcorp Genetics (formerly Invitae), Labcorp
Classification: Uncertain significance for Autosomal recessive limb-girdle muscular dystrophy type 2Q; Epidermolysis bullosa simplex, Ogna type; Epidermolysis bullosa simplex with nail dystrophy; Epidermolysis bullosa simplex 5C, with pyloric atresia; Epidermolysis bullosa simplex 5B, with muscular dystrophy. Last evaluated: 2021-10-20. Review status: criteria provided, single submitter. Criteria: Invitae Variant Classification Sherloc (09022015). Collection method: clinical testing. Allele origin: germline.
Comment: This sequence change replaces arginine with serine at codon 2261 of the PLEC protein (p.Arg2261Ser). The arginine residue is moderately conserved and there is a moderate physicochemical difference between arginine and serine. This variant is not present in population databases (ExAC no frequency). This variant has not been reported in the literature in individuals affected with PLEC-related conditions. Algorithms developed to predict the effect of missense changes on protein structure and function (SIFT, PolyPhen-2, Align-GVGD) all suggest that this variant is likely to be disruptive. Algorithms developed to predict the effect of sequence changes on RNA splicing suggest that this variant may create or strengthen a splice site. In summary, the available evidence is currently insufficient to determine the role of this variant in disease. Therefore, it has been classified as a Variant of Uncertain Significance.

NM_201384.3(PLEC):c.6700C>A (p.Arg2234Ser)

Gene: PLEC (plectin; minus strand). Cytogenetic location: 8q24.3.
Variant type: single nucleotide variant.
Coding change: c.6700C>A on transcript NM_201384.3 (MANE Select); coding-DNA position 6700, C replaced by A.
Protein change: p.Arg2234Ser; replaces arginine 2234 with serine.
Molecular consequence: missense variant.
Genome position (GRCh38, 1-based): chr8:143,923,229, G>T on the plus strand (C>A on the coding strand, the complement: PLEC is on the minus strand). VCF-style: chr8-143923229-G-T. GRCh37 (hg19) VCF-style: chr8-144997397-G-T.
Other names: c.6781C>A, p.Arg2261Ser (NM_000445.5); c.6658C>A, p.Arg2220Ser (NM_201378.4); c.6634C>A, p.Arg2212Ser (NM_201379.3); c.7111C>A, p.Arg2371Ser (NM_201380.4); c.6604C>A, p.Arg2202Ser (NM_201381.3); c.6700C>A, p.Arg2234Ser (NM_201382.4); c.6712C>A, p.Arg2238Ser (NM_201383.3); short protein forms R2261S, R2238S, R2371S, R2202S, R2212S, R2220S, R2234S.
Identifiers: ClinVar variation 1388196 (VCV001388196.5), dbSNP rs782319175, ClinGen allele CA372532904.